The following is an entry in ClinVar:

NM_033100.4(CDHR1):c.40C>G (p.Leu14Val)

Gene: CDHR1 (cadherin related family member 1; plus strand). Cytogenetic location: 10q23.1.
Variant type: single nucleotide variant.
Coding change: c.40C>G on transcript NM_033100.4 (MANE Select); coding-DNA position 40, C replaced by G.
Protein change: p.Leu14Val; replaces leucine 14 with valine.
Molecular consequence: missense variant.
Genome position (GRCh38, 1-based): chr10:84,194,800, C>G. VCF-style: chr10-84194800-C-G. GRCh37 (hg19) VCF-style: chr10-85954556-C-G.
Other names: c.40C>G, p.Leu14Val (NM_001171971.3); c.40C>G (NM_033100.2); short protein forms L14V.
Identifiers: ClinVar variation 1495777 (VCV001495777.9), dbSNP rs1447398281, ClinGen allele CA377369143.

ClinVar aggregate classification (germline): Uncertain significance. Review status: criteria provided, multiple submitters, no conflicts (2 of 4 stars). 2 submissions from 2 submitters: Uncertain significance (2). Last evaluated 2024-09-30.

Conditions:
Inborn genetic diseases. Identifiers: MedGen C0950123, MeSH D030342.

Allele frequency attached by ClinVar (database versions not stated): TOPMed below 0.00001.

Submissions (2):

Ambry Genetics
Classification: Uncertain significance for Inborn genetic diseases. Last evaluated: 2024-09-30. Review status: criteria provided, single submitter. Criteria: Ambry Variant Classification Scheme 2023. Collection method: clinical testing. Allele origin: germline.

Labcorp Genetics (formerly Invitae), Labcorp
Classification: Uncertain significance. Last evaluated: 2022-02-02. Review status: criteria provided, single submitter. Criteria: Invitae Variant Classification Sherloc (09022015). Collection method: clinical testing. Allele origin: germline.
Comment: Advanced modeling of protein sequence and biophysical properties (such as structural, functional, and spatial information, amino acid conservation, physicochemical variation, residue mobility, and thermodynamic stability) performed at Invitae indicates that this missense variant is not expected to disrupt CDHR1 protein function. This variant has not been reported in the literature in individuals affected with CDHR1-related conditions. This variant is not present in population databases (gnomAD no frequency). This sequence change replaces leucine, which is neutral and non-polar, with valine, which is neutral and non-polar, at codon 14 of the CDHR1 protein (p.Leu14Val). Algorithms developed to predict the effect of sequence changes on RNA splicing suggest that this variant may create or strengthen a splice site. In summary, the available evidence is currently insufficient to determine the role of this variant in disease. Therefore, it has been classified as a Variant of Uncertain Significance.